The following is an entry in ClinVar:

NM_018406.7(MUC4):c.8809G>C (p.Val2937Leu)

Gene: MUC4 (mucin 4, cell surface associated). Cytogenetic location: 3q29.
Variant type: single nucleotide variant.
Coding change: c.8809G>C on transcript NM_018406.7 (MANE Select); coding-DNA position 8809, G replaced by C.
Protein change: p.Val2937Leu; replaces valine 2937 with leucine.
Molecular consequence: missense variant. On other transcripts: intron variant (2).
Genome position (GRCh38, 1-based): chr3:195,782,771, C>G on the plus strand (G>C on the coding strand, the complement: MUC4 is on the minus strand). VCF-style: chr3-195782771-C-G. GRCh37 (hg19) VCF-style: chr3-195509642-C-G.
Other names: c.83-8466G>C (NM_138297.5); c.83-4316G>C (NM_004532.6); short protein forms V2937L.
Identifiers: ClinVar variation 4533722 (VCV004533722.6).

ClinVar aggregate classification (germline): Likely benign (1 of 4 stars; one submission).

gnomAD v4.1: 651 of 1,504,140 alleles (0.043%); highest among the groups gnomAD compares: African/African-American, 0.86%; 16 homozygotes.

Submission:

CeGaT Center for Human Genetics Tuebingen
Classification: Likely benign. Last evaluated: 2025-10-01. Review status: criteria provided, single submitter. Criteria: CeGaT Center For Human Genetics Tuebingen Variant Classification Criteria Version 2. Collection method: clinical testing. Allele origin: germline. Affected: yes. Observed: 1 variant allele.
Comment: MUC4: BS2